The following is an entry in ClinVar:

ClinVar aggregate classification (germline): Likely pathogenic (1 of 4 stars; one submission).

Conditions:
BNAR syndrome. Also called: Bifid Nose With or Without Anorectal and Renal Anomalies (BNAR) Syndrome. Identifiers: Orphanet 217266, MedGen C2750433, MONDO:0012165, OMIM 608980.
Oculotrichoanal syndrome (MOTA). Also called: MARLES SYNDROME; Manitoba Oculotrichoanal (MOTA) Syndrome. Identifiers: Orphanet 2717, MedGen C1855425, MONDO:0009560, OMIM 248450.

Submission:

Juno Genomics, Hangzhou Juno Genomics, Inc
Classification: Likely pathogenic for BNAR syndrome; Oculotrichoanal syndrome. Review status: criteria provided, single submitter. Criteria: ACMG Guidelines, 2015. Collection method: clinical testing. Allele origin: germline. Affected: yes.
Comment: Absent from controls (or at extremely low frequency if recessive) in Genome Aggregation Database, Exome Sequencing Project, 1000 Genomes Project, or Exome Aggregation Consortium.;Null variant in a gene where loss of function (LOF) is a known mechanism of disease.

NM_001379081.2(FREM1):c.741T>G (p.Tyr247Ter)

Gene: FREM1 (FRAS1 related extracellular matrix 1; minus strand). Cytogenetic location: 9p22.3.
Variant type: single nucleotide variant.
Coding change: c.741T>G on transcript NM_001379081.2 (MANE Select); coding-DNA position 741, T replaced by G.
Protein change: p.Tyr247Ter; replaces tyrosine 247 with a stop codon.
Molecular consequence: nonsense. On other transcripts: non-coding transcript variant (4).
Genome position (GRCh38, 1-based): chr9:14,857,640, A>C on the plus strand (T>G on the coding strand, the complement: FREM1 is on the minus strand). VCF-style: chr9-14857640-A-C. GRCh37 (hg19) VCF-style: chr9-14857638-A-C.
Other names: c.768T>G, p.Tyr256Ter (NM_001370060.1); c.741T>G, p.Tyr247Ter (NM_001370063.1, NM_001370065.1, NM_144966.7); short protein forms Y247*, Y256*.
Identifiers: ClinVar variation 3767122 (VCV003767122.2).